The following is an entry in ClinVar:

ClinVar aggregate classification (germline): Likely benign. Review status: criteria provided, multiple submitters, no conflicts (2 of 4 stars). 2 submissions from 2 submitters: Likely benign (2). Last evaluated 2025-05-01.

Submissions (2):

CeGaT Center for Human Genetics Tuebingen
Classification: Likely benign. Last evaluated: 2025-05-01. Review status: criteria provided, single submitter. Criteria: CeGaT Center For Human Genetics Tuebingen Variant Classification Criteria Version 2. Collection method: clinical testing. Allele origin: germline. Affected: yes. Observed: 2 variant alleles.
Comment: RRP7A: BP4, BS2

Blueprint Genetics
Classification: Likely benign. Last evaluated: 2024-11-26. Review status: criteria provided, single submitter. Criteria: ACMG Guidelines, 2015. Collection method: clinical testing. Allele origin: germline.

NM_015703.5(RRP7A):c.343-4T>C

Gene: RRP7A (ribosomal RNA processing 7 homolog A; minus strand). Cytogenetic location: 22q13.2.
Variant type: single nucleotide variant.
Coding change: c.343-4T>C on transcript NM_015703.5 (MANE Select); 4 bases into the intron before coding-DNA position 343, T replaced by C.
Molecular consequence: intron variant.
Genome position (GRCh38, 1-based): chr22:42,515,272, A>G on the plus strand (T>C on the coding strand, the complement: RRP7A is on the minus strand). VCF-style: chr22-42515272-A-G. GRCh37 (hg19) VCF-style: chr22-42911278-A-G.
Identifiers: ClinVar variation 3770728 (VCV003770728.14).